The following is an entry in ClinVar:

NM_001100913.3(PACS2):c.2453C>T (p.Thr818Ile)

Gene: PACS2 (phosphofurin acidic cluster sorting protein 2; plus strand). Cytogenetic location: 14q32.33.
Variant type: single nucleotide variant.
Coding change: c.2453C>T on transcript NM_001100913.3 (MANE Select); coding-DNA position 2453, C replaced by T.
Protein change: p.Thr818Ile; replaces threonine 818 with isoleucine.
Molecular consequence: missense variant.
Genome position (GRCh38, 1-based): chr14:105,392,816, C>T. VCF-style: chr14-105392816-C-T. GRCh37 (hg19) VCF-style: chr14-105859153-C-T.
Other names: c.2183C>T, p.Thr728Ile (NM_001243127.3); c.2408C>T, p.Thr803Ile (NM_015197.4); short protein forms T728I, T803I, T818I.
Identifiers: ClinVar variation 3680932 (VCV003680932.10).

ClinVar aggregate classification (germline): Uncertain significance. Review status: criteria provided, multiple submitters, no conflicts (2 of 4 stars). 2 submissions from 2 submitters: Uncertain significance (2). Last evaluated 2026-01-01.

gnomAD v4.1: 2 of 1,606,786 alleles (0.00012%); highest among the groups gnomAD compares: Non-Finnish European, 0.00017%; no homozygotes.

Submissions (2):

CeGaT Center for Human Genetics Tuebingen
Classification: Uncertain significance. Last evaluated: 2026-01-01. Review status: criteria provided, single submitter. Criteria: CeGaT Center For Human Genetics Tuebingen Variant Classification Criteria Version 2. Collection method: clinical testing. Allele origin: germline. Affected: yes. Observed: 2 variant alleles.

Labcorp Genetics (formerly Invitae), Labcorp
Classification: Uncertain significance. Last evaluated: 2024-05-21. Review status: criteria provided, single submitter. Criteria: Invitae Variant Classification Sherloc (09022015). Collection method: clinical testing. Allele origin: germline.
Comment: This sequence change replaces threonine, which is neutral and polar, with isoleucine, which is neutral and non-polar, at codon 818 of the PACS2 protein (p.Thr818Ile). This variant is present in population databases (rs782689380, gnomAD 0.002%). This variant has not been reported in the literature in individuals affected with PACS2-related conditions. Advanced modeling of protein sequence and biophysical properties (such as structural, functional, and spatial information, amino acid conservation, physicochemical variation, residue mobility, and thermodynamic stability) performed at Invitae indicates that this missense variant is not expected to disrupt PACS2 protein function with a negative predictive value of 80%. In summary, the available evidence is currently insufficient to determine the role of this variant in disease. Therefore, it has been classified as a Variant of Uncertain Significance.